The following is an entry in ClinVar:

ClinVar aggregate classification (germline): Uncertain significance. Review status: criteria provided, multiple submitters, no conflicts (2 of 4 stars). 2 submissions from 2 submitters: Uncertain significance (2). Last evaluated 2025-01-24.

Conditions:
Cardiovascular phenotype. Identifiers: MedGen CN230736.
Hypertrophic cardiomyopathy 14. Identifiers: MedGen C2750467, MONDO:0013197, OMIM 613251.

Allele frequency attached by ClinVar (database versions not stated): gnomAD exomes below 0.00001; ExAC 0.00001.
gnomAD v4.1: 6 of 1,614,074 alleles (0.00037%); highest among the groups gnomAD compares: South Asian, 0.0044%; no homozygotes.

Submissions (2):

Ambry Genetics
Classification: Uncertain significance for Cardiovascular phenotype. Last evaluated: 2025-01-24. Review status: criteria provided, single submitter. Criteria: Ambry Variant Classification Scheme 2023. Collection method: clinical testing. Allele origin: germline.
Comment: The p.D780N variant (also known as c.2338G>A), located in coding exon 18 of the MYH6 gene, results from a G to A substitution at nucleotide position 2338. The aspartic acid at codon 780 is replaced by asparagine, an amino acid with highly similar properties. This variant has been reported in a congenital heart disease cohort (Zhu W et al. Genes (Basel), 2022 Apr;13:). This amino acid position is highly conserved in available vertebrate species. In addition, the in silico prediction for this alteration is inconclusive. Based on the available evidence, the clinical significance of this variant remains unclear.

Labcorp Genetics (formerly Invitae), Labcorp
Classification: Uncertain significance for Hypertrophic cardiomyopathy 14. Last evaluated: 2023-07-28. Review status: criteria provided, single submitter. Criteria: Invitae Variant Classification Sherloc (09022015). Collection method: clinical testing. Allele origin: germline.
Comment: This sequence change replaces aspartic acid, which is acidic and polar, with asparagine, which is neutral and polar, at codon 780 of the MYH6 protein (p.Asp780Asn). This variant is present in population databases (rs748960382, gnomAD 0.003%). This missense change has been observed in individual(s) with congenital heart defects (PMID: 35456442). ClinVar contains an entry for this variant (Variation ID: 1789803). Advanced modeling of protein sequence and biophysical properties (such as structural, functional, and spatial information, amino acid conservation, physicochemical variation, residue mobility, and thermodynamic stability) performed at Invitae indicates that this missense variant is expected to disrupt MYH6 protein function. In summary, the available evidence is currently insufficient to determine the role of this variant in disease. Therefore, it has been classified as a Variant of Uncertain Significance.

Literature cited by the submitters: PubMed 35456442 (cited by Ambry Genetics and Labcorp Genetics (formerly Invitae), Labcorp).

NM_002471.4(MYH6):c.2338G>A (p.Asp780Asn)

Gene: MYH6 (myosin heavy chain 6; minus strand). Cytogenetic location: 14q11.2.
Variant type: single nucleotide variant.
Coding change: c.2338G>A on transcript NM_002471.4 (MANE Select); coding-DNA position 2338, G replaced by A.
Protein change: p.Asp780Asn; replaces aspartic acid 780 with asparagine.
Molecular consequence: missense variant.
Genome position (GRCh38, 1-based): chr14:23,396,375, C>T on the plus strand (G>A on the coding strand, the complement: MYH6 is on the minus strand). VCF-style: chr14-23396375-C-T. GRCh37 (hg19) VCF-style: chr14-23865584-C-T.
Other names: short protein forms D780N.
Identifiers: ClinVar variation 1789803 (VCV001789803.6), dbSNP rs748960382, ClinGen allele CA7115496.